The following is an entry in ClinVar:

NM_000257.4(MYH7):c.1432A>G (p.Ile478Val)

Gene: MYH7 (myosin heavy chain 7; minus strand). Cytogenetic location: 14q11.2.
Variant type: single nucleotide variant.
Coding change: c.1432A>G on transcript NM_000257.4 (MANE Select); coding-DNA position 1432, A replaced by G.
Protein change: p.Ile478Val; replaces isoleucine 478 with valine.
Molecular consequence: missense variant.
Genome position (GRCh38, 1-based): chr14:23,428,646, T>C on the plus strand (A>G on the coding strand, the complement: MYH7 is on the minus strand). VCF-style: chr14-23428646-T-C. GRCh37 (hg19) VCF-style: chr14-23897855-T-C.
Other names: p.I478V:ATC>GTC; c.1432A>G (LRG_384t1); short protein forms I478V.
Identifiers: ClinVar variation 181347 (VCV000181347.18), dbSNP rs730880873, ClinGen allele CA010750.

ClinVar aggregate classification (germline): Conflicting classifications of pathogenicity. Review status: criteria provided, conflicting classifications (1 of 4 stars). 6 submissions from 6 submitters: Likely pathogenic (1); Uncertain significance (5). Last evaluated 2024-08-04.

Conditions:
MYH7-related disorder. Also called: MYH7-related condition; MYH7-related disease; MYH7-related disorders.
Myosin storage myopathy (CMYO7A). Also called: MYOPATHY, HYALINE BODY, AUTOSOMAL DOMINANT; Scapuloperoneal myopathy, MYH7-related; MYH7-related late-onset scapuloperoneal muscular dystrophy; Congenital myopathy 7A, myosin storage, autosomal dominant; MYOPATHY WITH LYSIS OF TYPE I MYOFIBRILS; SCAPULOPERONEAL MUSCULAR DYSTROPHY. Identifiers: Orphanet 437572, Orphanet 636965, MedGen C1842160, MONDO:0008409, OMIM 608358.
Myopathy, myosin storage, autosomal recessive (CMYO7B). Also called: CONGENITAL MYOPATHY 7B, MYOSIN STORAGE, AUTOSOMAL RECESSIVE. Identifiers: Orphanet 636970, MedGen C1850709, MONDO:0009708, OMIM 255160.
Hypertrophic cardiomyopathy 1 (CMH1). Also called: Familial hypertrophic cardiomyopathy 1; MYH7-Related Familial Hypertrophic Cardiomyopathy. Identifiers: MedGen C3495498, MONDO:0008647, OMIM 192600.
MYH7-related skeletal myopathy. Also called: Myopathy, distal, 1; MYOPATHY, DISTAL, EARLY-ONSET, AUTOSOMAL DOMINANT; MYOPATHY, LATE DISTAL HEREDITARY; Laing distal myopathy; Laing early-onset distal myopathy. Identifiers: Orphanet 59135, MedGen C4552004, MONDO:0008050, OMIM 160500.
Congenital myopathy with fiber type disproportion. Also called: Congenital fiber-type disproportion; Congenital fiber-type disproportion myopathy. Identifiers: Orphanet 2020, MedGen C0546264, MONDO:0009711. Inheritance: all.
Dilated cardiomyopathy 1S (CMD1S). Identifiers: Orphanet 154, Orphanet 54260, MedGen C1834481, MONDO:0013262, OMIM 613426.
Cardiovascular phenotype. Identifiers: MedGen CN230736.
Hypertrophic cardiomyopathy. Also called: HYPERTROPHIC MYOCARDIOPATHY. Identifiers: Orphanet 217569, MedGen C0007194, MeSH D002312, MONDO:0005045, HP:0001639.

Submissions (6):

Labcorp Genetics (formerly Invitae), Labcorp
Classification: Uncertain significance for Hypertrophic cardiomyopathy. Last evaluated: 2024-08-04. Review status: criteria provided, single submitter. Criteria: Invitae Variant Classification Sherloc (09022015). Collection method: clinical testing. Allele origin: germline.
Comment: This sequence change replaces isoleucine, which is neutral and non-polar, with valine, which is neutral and non-polar, at codon 478 of the MYH7 protein (p.Ile478Val). This variant is not present in population databases (gnomAD no frequency). This missense change has been observed in individual(s) with hypertrophic cardiomyopathy (Invitae). ClinVar contains an entry for this variant (Variation ID: 181347). Advanced modeling of protein sequence and biophysical properties (such as structural, functional, and spatial information, amino acid conservation, physicochemical variation, residue mobility, and thermodynamic stability) performed at Invitae indicates that this missense variant is expected to disrupt MYH7 protein function with a positive predictive value of 95%. This variant is found within a region of MYH7 between codons 181 and 937 that contains the majority of the myosin head domain. Missense variants in this region have been shown to be significantly overrepresented in individuals with hypertrophic cardiomyopathy (PMID: 27532257). In summary, the available evidence is currently insufficient to determine the role of this variant in disease. Therefore, it has been classified as a Variant of Uncertain Significance.

Blueprint Genetics
Classification: Likely pathogenic for MYH7-related disorders. Last evaluated: 2021-10-08. Review status: criteria provided, single submitter. Criteria: ACMG Guidelines, 2015. Collection method: clinical testing. Allele origin: germline. Affected: yes. Observed: 3 variant alleles.

Fulgent Genetics
Classification: Uncertain significance for MYH7-related skeletal myopathy; Myosin storage myopathy; Hypertrophic cardiomyopathy 1; Myopathy, myosin storage, autosomal recessive; Congenital myopathy 4A, autosomal dominant; Dilated cardiomyopathy 1S. Last evaluated: 2021-08-26. Review status: criteria provided, single submitter. Criteria: ACMG Guidelines, 2015. Collection method: clinical testing. Allele origin: unknown.

Ambry Genetics
Classification: Uncertain significance for Cardiovascular phenotype. Last evaluated: 2020-08-27. Review status: criteria provided, single submitter. Criteria: Ambry Variant Classification Scheme 2023. Collection method: clinical testing. Allele origin: germline.
Comment: The p.I478V variant (also known as c.1432A>G), located in coding exon 13 of the MYH7 gene, results from an A to G substitution at nucleotide position 1432. The isoleucine at codon 478 is replaced by valine, an amino acid with highly similar properties, and is located in the head domain. This variant has been detected in an individual with hypertrophic cardiomyopathy (HCM). The same study reported that cardiac tissue from this patient demonstrated altered myofilament calcium sensitivity; however, the physiological relevance of the reported finding is unclear (Kresin N et al. Front Physiol, 2019 Mar;10:239). A different variant affecting this codon (p.I478N, c.1433T>A) has been reported in HCM cohorts (Walsh R et al. Genet. Med. 2017 02;19(2):192-203). This amino acid position is highly conserved in available vertebrate species. In addition, this alteration is predicted to be deleterious by in silico analysis. Since supporting evidence is limited at this time, the clinical significance of this alteration remains unclear.

Stanford Center for Inherited Cardiovascular Disease, Stanford University
Classification: Uncertain significance. Last evaluated: 2013-09-12. Review status: criteria provided, single submitter. Criteria: ACMG Guidelines, 2015. Collection method: provider interpretation. Allele origin: germline.

GeneDx
Classification: Uncertain significance. Last evaluated: 2013-06-03. Review status: criteria provided, single submitter. Criteria: GeneDx Variant Classification (06012015). Collection method: clinical testing. Allele origin: germline. Affected: yes.
Comment: p.Ile478Val (ATC>GTC): c.1432 A>G in exon 15 of the MYH7 gene (NM_000257.2). The Ile478Val variant in the MYH7 gene has not been reported as a disease-causing mutation or as a benign polymorphism to our knowledge. Although Ile478Val results in a conservative amino acid substitution of one non-polar residue for another, the Ile478 residue is conserved across species. In addition, other mutations affecting nearby residues (Phe468Leu, Asp469Tyr, Gln475His, Gln475Lys) have been reported in association with DCM, supporting the functional importance of this region of the protein. Furthermore, the Ile478Val variant was not observed in approximately 6,500 individuals of European and African American ancestry in the NHLBI Exome Sequencing Project, indicating it is not a common benign variant in these populations. With the clinical and molecular information available at this time, we cannot definitively determine if Ile478Val is a disease-causing mutation or a rare benign variant. The variant is found in HCM panel(s).

Literature cited by the submitters: PubMed 27532257 (cited by Labcorp Genetics (formerly Invitae), Labcorp and Ambry Genetics); PubMed 25351510 (cited by Ambry Genetics); PubMed 30984009 (cited by Ambry Genetics).